The following is an entry in ClinVar:

NM_000287.4(PEX6):c.1702A>T (p.Met568Leu)

Gene: PEX6 (peroxisomal biogenesis factor 6; minus strand). Cytogenetic location: 6p21.1.
Variant type: single nucleotide variant.
Coding change: c.1702A>T on transcript NM_000287.4 (MANE Select); coding-DNA position 1702, A replaced by T.
Protein change: p.Met568Leu; replaces methionine 568 with leucine.
Molecular consequence: missense variant. On other transcripts: non-coding transcript variant (1).
Genome position (GRCh38, 1-based): chr6:42,967,550, T>A on the plus strand (A>T on the coding strand, the complement: PEX6 is on the minus strand). VCF-style: chr6-42967550-T-A. GRCh37 (hg19) VCF-style: chr6-42935288-T-A.
Other names: c.1438A>T, p.Met480Leu (NM_001316313.2); short protein forms M480L, M568L.
Identifiers: ClinVar variation 1423222 (VCV001423222.5), dbSNP rs2114242869, ClinGen allele CA364153914.

ClinVar aggregate classification (germline): Uncertain significance (1 of 4 stars; one submission).

Conditions:
Peroxisome biogenesis disorder. Identifiers: Orphanet 79189, MedGen C1832200, MONDO:0019234. Disease mechanism: loss of function.

Submission:

Labcorp Genetics (formerly Invitae), Labcorp
Classification: Uncertain significance for Peroxisome biogenesis disorder. Last evaluated: 2022-07-12. Review status: criteria provided, single submitter. Criteria: Invitae Variant Classification Sherloc (09022015). Collection method: clinical testing. Allele origin: germline.
Comment: This sequence change replaces methionine, which is neutral and non-polar, with leucine, which is neutral and non-polar, at codon 568 of the PEX6 protein (p.Met568Leu). This variant is not present in population databases (gnomAD no frequency). This variant has not been reported in the literature in individuals affected with PEX6-related conditions. ClinVar contains an entry for this variant (Variation ID: 1423222). Algorithms developed to predict the effect of missense changes on protein structure and function output the following: SIFT: "Tolerated"; PolyPhen-2: "Benign"; Align-GVGD: "Class C0". The leucine amino acid residue is found in multiple mammalian species, which suggests that this missense change does not adversely affect protein function. In summary, the available evidence is currently insufficient to determine the role of this variant in disease. Therefore, it has been classified as a Variant of Uncertain Significance.